The following is an entry in ClinVar:

ClinVar aggregate classification (germline): Uncertain significance (1 of 4 stars; one submission).

Conditions:
Primary ciliary dyskinesia. Also called: Ciliary dyskinesia. Identifiers: Orphanet 244, MedGen C0008780, MONDO:0016575, HP:0012265.

Allele frequency attached by ClinVar (database versions not stated): 1000 Genomes Project 0.00040; TOPMed below 0.00001; gnomAD 0.00001; gnomAD exomes 0.00003; ExAC 0.00004; 1000 Genomes Project 30x 0.00031.
gnomAD v4.1: 54 of 1,613,878 alleles (0.0033%); highest among the groups gnomAD compares: South Asian, 0.053%; 2 homozygotes.

Submission:

Labcorp Genetics (formerly Invitae), Labcorp
Classification: Uncertain significance for Primary ciliary dyskinesia. Last evaluated: 2022-12-13. Review status: criteria provided, single submitter. Criteria: Invitae Variant Classification Sherloc (09022015). Collection method: clinical testing. Allele origin: germline.
Comment: This variant has not been reported in the literature in individuals affected with DNAH8-related conditions. This sequence change replaces tyrosine, which is neutral and polar, with cysteine, which is neutral and slightly polar, at codon 1842 of the DNAH8 protein (p.Tyr1842Cys). This variant is present in population databases (rs566394706, gnomAD 0.04%). Advanced modeling of protein sequence and biophysical properties (such as structural, functional, and spatial information, amino acid conservation, physicochemical variation, residue mobility, and thermodynamic stability) performed at Invitae indicates that this missense variant is expected to disrupt DNAH8 protein function. In summary, the available evidence is currently insufficient to determine the role of this variant in disease. Therefore, it has been classified as a Variant of Uncertain Significance.

NM_001206927.2(DNAH8):c.5525A>G (p.Tyr1842Cys)

Gene: DNAH8 (dynein axonemal heavy chain 8; plus strand). Cytogenetic location: 6p21.2.
Variant type: single nucleotide variant.
Coding change: c.5525A>G on transcript NM_001206927.2 (MANE Select); coding-DNA position 5525, A replaced by G.
Protein change: p.Tyr1842Cys; replaces tyrosine 1842 with cysteine.
Molecular consequence: missense variant.
Genome position (GRCh38, 1-based): chr6:38,852,752, A>G. VCF-style: chr6-38852752-A-G. GRCh37 (hg19) VCF-style: chr6-38820528-A-G.
Other names: c.4874A>G, p.Tyr1625Cys (NM_001371.4); short protein forms Y1842C, Y1625C.
Identifiers: ClinVar variation 2723727 (VCV002723727.3), dbSNP rs566394706, ClinGen allele CA3789402.